The following is an entry in ClinVar:

ClinVar aggregate classification (germline): Uncertain significance. Review status: criteria provided, multiple submitters, no conflicts (2 of 4 stars). 2 submissions from 2 submitters: Uncertain significance (2). Last evaluated 2025-05-06.

Conditions:
CPT2-related disorder. Also called: CPT2-related condition.
Carnitine palmitoyltransferase II deficiency. Also called: Carnitine Palmitoyltransferase 2 Deficiency. Identifiers: Orphanet 157, MedGen C0342790, MONDO:0015515.

Allele frequency attached by ClinVar (database versions not stated): gnomAD exomes below 0.00001; TOPMed below 0.00001.
gnomAD v4.1: 4 of 1,609,890 alleles (0.00025%); highest among the groups gnomAD compares: Non-Finnish European, 0.00034%; no homozygotes.

Submissions (2):

PreventionGenetics, part of Exact Sciences
Classification: Uncertain significance for CPT2-related condition. Last evaluated: 2025-05-06. Review status: criteria provided, single submitter. Criteria: ACMG Guidelines, 2015. Collection method: clinical testing. Allele origin: germline.
Comment: The CPT2 c.1528A>G variant is predicted to result in the amino acid substitution p.Lys510Glu. To our knowledge, this variant has not been reported in the literature or in a large population database (gnomAD), indicating this variant is rare. At this time, the clinical significance of this variant is uncertain due to the absence of conclusive functional and genetic evidence.

Labcorp Genetics (formerly Invitae), Labcorp
Classification: Uncertain significance for Carnitine palmitoyltransferase II deficiency. Last evaluated: 2022-06-27. Review status: criteria provided, single submitter. Criteria: Invitae Variant Classification Sherloc (09022015). Collection method: clinical testing. Allele origin: germline.
Comment: This sequence change replaces lysine, which is basic and polar, with glutamic acid, which is acidic and polar, at codon 510 of the CPT2 protein (p.Lys510Glu). This variant is not present in population databases (gnomAD no frequency). This variant has not been reported in the literature in individuals affected with CPT2-related conditions. ClinVar contains an entry for this variant (Variation ID: 966587). Advanced modeling of protein sequence and biophysical properties (such as structural, functional, and spatial information, amino acid conservation, physicochemical variation, residue mobility, and thermodynamic stability) performed at Invitae indicates that this missense variant is not expected to disrupt CPT2 protein function. Algorithms developed to predict the effect of sequence changes on RNA splicing suggest that this variant may create or strengthen a splice site. In summary, the available evidence is currently insufficient to determine the role of this variant in disease. Therefore, it has been classified as a Variant of Uncertain Significance.

NM_000098.3(CPT2):c.1528A>G (p.Lys510Glu)

Gene: CPT2 (carnitine palmitoyltransferase 2; plus strand). Cytogenetic location: 1p32.3.
Variant type: single nucleotide variant.
Coding change: c.1528A>G on transcript NM_000098.3 (MANE Select); coding-DNA position 1528, A replaced by G.
Protein change: p.Lys510Glu; replaces lysine 510 with glutamic acid.
Molecular consequence: missense variant.
Genome position (GRCh38, 1-based): chr1:53,211,202, A>G. VCF-style: chr1-53211202-A-G. GRCh37 (hg19) VCF-style: chr1-53676874-A-G.
Other names: c.1528A>G, p.Lys510Glu (NM_001330589.2); short protein forms K510E.
Identifiers: ClinVar variation 966587 (VCV000966587.8), dbSNP rs1645425523, ClinGen allele CA340396694.